The following is an entry in ClinVar:

Conditions:
Breast-ovarian cancer, familial, susceptibility to, 1 (BROVCA1). Also called: BRCA1 Hereditary Breast and Ovarian Cancer; OVARIAN CANCER, SUSCEPTIBILITY TO. Identifiers: Orphanet 145, MedGen C2676676, MONDO:0011450, OMIM 604370. Disease mechanism: loss of function.

Submission:

Brotman Baty Institute, University of Washington
No classification provided (evidence only). Condition: Breast-ovarian cancer, familial 1. Review status: no classification provided. Collection method: in vitro. Allele origin: not applicable. Functional consequence: functionally_normal.
ClinVar note: "not provided" was previously submitted as the classification for the variant. However, the classification appeared to be based only on an observation of functional data so it was converted to no classification on 2025-07-30.

NM_007294.4(BRCA1):c.5407-7G>C

Gene: BRCA1 (BRCA1 DNA repair associated; minus strand). Cytogenetic location: 17q21.31.
Variant type: single nucleotide variant.
Coding change: c.5407-7G>C on transcript NM_007294.4 (MANE Select); 7 bases into the intron before coding-DNA position 5407, G replaced by C.
Molecular consequence: intron variant.
Genome position (GRCh38, 1-based): chr17:43,047,710, C>G on the plus strand (G>C on the coding strand, the complement: BRCA1 is on the minus strand). VCF-style: chr17-43047710-C-G. GRCh37 (hg19) VCF-style: chr17-41199727-C-G.
Other names: c.1954-7G>C (NM_001408458.1, NM_001408461.1, NM_001408464.1 and 7 more transcripts); c.4516-7G>C (NM_001407967.1); c.5026-7G>C (NM_001407959.1); c.5140-7G>C (NM_001407931.1, NM_001407932.1, NM_001407928.1 and 4 more transcripts); c.5263-7G>C (NM_001407747.1, NM_001407745.1, NM_001407737.1 and 18 more transcripts); c.5023-7G>C (NM_001407962.1, NM_001407960.1); c.1594-7G>C (NM_001408512.1); c.1717-7G>C (NM_001408510.1); and 83 more.
Identifiers: ClinVar variation 865454 (VCV000865454.3), dbSNP rs1597799642, ClinGen allele CA916080785.
Genomic context (GRCh38, chr17:43,047,710, plus strand): 5'-GCCATTGTCCTCTGTCCAGGCATCTGGCTGCACAACCACAATTGGGTGGACACCCTGGAT[C>G]CCCAGGAAGGAAAGAGCATTCAAAGTGTCAAAGTAGGACTACTGGAACTGTCACTTCATC-3'